The following is an entry in ClinVar:

ClinVar aggregate classification (germline): Benign. Review status: criteria provided, multiple submitters, no conflicts (2 of 4 stars). 4 submissions from 4 submitters: Benign (4). Last evaluated 2026-04-01.

Conditions:
Congenital fibrosis of extraocular muscles type 1. Also called: OPHTHALMOPLEGIA, CONGENITAL; BLEPHAROPTOSIS WITH ABSENT EYE MOVEMENTS; CFEOM3B; FEOM1 LOCUS. Identifiers: MedGen C1851102, MONDO:0021083, OMIM 135700.

Allele frequency attached by ClinVar (database versions not stated): 1000 Genomes Project 0.00300; 1000 Genomes Project 30x 0.00344; TOPMed 0.00393; gnomAD 0.00402 and 0.00415; ExAC 0.00465; gnomAD exomes 0.00470 and 0.00521; ESP Exome Variant Server 0.00477.
gnomAD v4.1: 8,225 of 1,614,018 alleles (0.51%); highest among the groups gnomAD compares: South Asian, 1.3%; 55 homozygotes.

Submissions (16):

CeGaT Center for Human Genetics Tuebingen
Classification: Benign. Last evaluated: 2026-04-01. Review status: criteria provided, single submitter. Criteria: CeGaT Center For Human Genetics Tuebingen Variant Classification Criteria Version 2. Collection method: clinical testing. Allele origin: germline. Affected: yes. Observed: 2 variant alleles.
Comment: KIF21A: BP4, BP7, BS1, BS2

Labcorp Genetics (formerly Invitae), Labcorp
Classification: Benign. Last evaluated: 2019-12-31. Review status: criteria provided, single submitter. Criteria: Invitae Variant Classification Sherloc (09022015). Collection method: clinical testing. Allele origin: germline.

Illumina Laboratory Services, Illumina
Classification: Benign for Congenital fibrosis of extraocular muscles type 1. Last evaluated: 2018-01-12. Review status: criteria provided, single submitter. Criteria: ICSL Variant Classification Criteria 13 December 2019. Collection method: clinical testing. Allele origin: germline.
Comment: This variant was observed in the ICSL laboratory as part of a predisposition screen in an ostensibly healthy population. It had not been previously curated by ICSL or reported in the Human Gene Mutation Database (HGMD: prior to June 1st, 2018), and was therefore a candidate for classification through an automated scoring system. Utilizing variant allele frequency, disease prevalence and penetrance estimates, and inheritance mode, an automated score was calculated to assess if this variant is too frequent to cause the disease. Based on the score and internal cut-off values, a variant classified as benign is not then subjected to further curation. The score for this variant resulted in a classification of benign for this disease.

Breakthrough Genomics
Classification: Benign. Review status: criteria provided, single submitter. Criteria: ACMG Guidelines, 2015. Collection method: not provided. Allele origin: germline. Inheritance: Autosomal dominant inheritance. Affected: yes.

Dr. Peter K. Rogan Lab, Western University
No classification provided (evidence only). Condition: Malignant tumor of urinary bladder. Review status: no classification provided. Collection method: in vitro. Allele origin: not applicable. Functional consequence: skipped exon. Not counted in ClinVar's aggregate classification.

Dr. Peter K. Rogan Lab, Western University
No classification provided (evidence only). Condition: Clear cell carcinoma of kidney. Review status: no classification provided. Collection method: in vitro. Allele origin: not applicable. Functional consequence: retained intron. Not counted in ClinVar's aggregate classification.

Dr. Peter K. Rogan Lab, Western University
No classification provided (evidence only). Condition: Lung cancer. Review status: no classification provided. Collection method: in vitro. Allele origin: not applicable. Functional consequence: retained intron. Not counted in ClinVar's aggregate classification.

Dr. Peter K. Rogan Lab, Western University
No classification provided (evidence only). Condition: Lung cancer. Review status: no classification provided. Collection method: in vitro. Allele origin: not applicable. Functional consequence: retained intron. Not counted in ClinVar's aggregate classification.

Dr. Peter K. Rogan Lab, Western University
No classification provided (evidence only). Condition: Familial cancer of breast. Review status: no classification provided. Collection method: in vitro. Allele origin: not applicable. Functional consequence: retained intron. Not counted in ClinVar's aggregate classification.

Dr. Peter K. Rogan Lab, Western University
No classification provided (evidence only). Condition: Familial cancer of breast. Review status: no classification provided. Collection method: in vitro. Allele origin: not applicable. Functional consequence: skipped exon. Not counted in ClinVar's aggregate classification.

Dr. Peter K. Rogan Lab, Western University
No classification provided (evidence only). Condition: Colon adenocarcinoma. Review status: no classification provided. Collection method: in vitro. Allele origin: not applicable. Functional consequence: skipped exon. Not counted in ClinVar's aggregate classification.

Dr. Peter K. Rogan Lab, Western University
No classification provided (evidence only). Condition: Colorectal cancer. Review status: no classification provided. Collection method: in vitro. Allele origin: not applicable. Functional consequence: retained intron. Not counted in ClinVar's aggregate classification.

Dr. Peter K. Rogan Lab, Western University
No classification provided (evidence only). Condition: Cervical cancer. Review status: no classification provided. Collection method: in vitro. Allele origin: not applicable. Functional consequence: retained intron. Not counted in ClinVar's aggregate classification.

Dr. Peter K. Rogan Lab, Western University
No classification provided (evidence only). Condition: Hepatocellular carcinoma. Review status: no classification provided. Collection method: in vitro. Allele origin: not applicable. Functional consequence: skipped exon, retained intron. Not counted in ClinVar's aggregate classification.

Dr. Peter K. Rogan Lab, Western University
No classification provided (evidence only). Condition: Ovarian serous cystadenocarcinoma. Review status: no classification provided. Collection method: in vitro. Allele origin: not applicable. Functional consequence: retained intron. Not counted in ClinVar's aggregate classification.

Dr. Peter K. Rogan Lab, Western University
No classification provided (evidence only). Condition: Lymphoma. Review status: no classification provided. Collection method: in vitro. Allele origin: not applicable. Functional consequence: retained intron. Not counted in ClinVar's aggregate classification.

NM_001173464.2(KIF21A):c.2541A>G (p.Lys847=)

Gene: KIF21A (kinesin family member 21A; minus strand). Cytogenetic location: 12q12.
Variant type: single nucleotide variant.
Coding change: c.2541A>G on transcript NM_001173464.2 (MANE Select); coding-DNA position 2541, A replaced by G.
Protein change: p.Lys847=; no amino-acid change (lysine 847 retained).
Molecular consequence: synonymous variant.
Genome position (GRCh38, 1-based): chr12:39,333,054, T>C on the plus strand (A>G on the coding strand, the complement: KIF21A is on the minus strand). VCF-style: chr12-39333054-T-C. GRCh37 (hg19) VCF-style: chr12-39726856-T-C.
Other names: NC_000012.11:g.39726856T>C; c.2502A>G, p.Lys834= (NM_001173463.2, NM_017641.4); c.2433A>G, p.Lys811= (NM_001173465.2).
Identifiers: ClinVar variation 308568 (VCV000308568.15), dbSNP rs145897823, ClinGen allele CA6510760.